The following is an entry in ClinVar:

NM_007294.3(BRCA1):c.-2266G>A

Genes: BRCA1 (BRCA1 DNA repair associated; minus strand), NBR2 (neighbor of BRCA1 lncRNA 2; plus strand), LOC111589215 (BRCA1 promoter region; plus strand). Cytogenetic location: 17q21.31.
Variant type: single nucleotide variant.
Coding change: c.-2266G>A on transcript NM_007294.3; 2266 bases upstream of the start codon, G replaced by A.
Molecular consequence: intron variant (on NM_001408458.1).
Genome position (GRCh38, 1-based): chr17:43,127,517, C>T on the plus strand (G>A on the coding strand, the complement: BRCA1 is on the minus strand). VCF-style: chr17-43127517-C-T. GRCh37 (hg19) VCF-style: chr17-41279534-C-T.
Other names: -2147 G>A; c.-61-11738G>A (NM_001408458.1).
Identifiers: ClinVar variation 209591 (VCV000209591.3), dbSNP rs8077035, ClinGen allele CA276560.

ClinVar aggregate classification (germline): Benign (3 of 4 stars; one submission).

Conditions:
Breast-ovarian cancer, familial, susceptibility to, 1 (BROVCA1). Also called: OVARIAN CANCER, SUSCEPTIBILITY TO; BRCA1 Hereditary Breast and Ovarian Cancer. Identifiers: Orphanet 145, MedGen C2676676, MONDO:0011450, OMIM 604370. Disease mechanism: loss of function.

Allele frequency attached by ClinVar (database versions not stated): 1000 Genomes Project 30x 0.00984; 1000 Genomes Project 0.00998; TOPMed 0.01062; gnomAD 0.01080 and 0.01006.
gnomAD v4.1: 1,514 of 152,140 alleles (1%); highest among the groups gnomAD compares: African/African-American, 3.5%; 35 homozygotes.

Submission:

Evidence-based Network for the Interpretation of Germline Mutant Alleles (ENIGMA)
Classification: Benign for Breast-ovarian cancer, familial 1. Last evaluated: 2015-01-12. Review status: reviewed by expert panel. Criteria: ENIGMA BRCA1/2 Classification Criteria (2015). Collection method: curation. Allele origin: germline.
Comment: Class 1 not pathogenic based on frequency >1% in an outbred sampleset. Frequency 0.05 (African), derived from 1000 genomes (2012-04-30).